The following is an entry in ClinVar:

NM_001370259.2(MEN1):c.1170_1185+33del

Gene: MEN1 (menin 1; minus strand). Cytogenetic location: 11q13.1.
Variant type: Deletion.
Coding change: c.1170_1185+33del on transcript NM_001370259.2 (MANE Select); coding-DNA position 1170 through 33 bases into the intron after coding-DNA position 1185, 49 bases deleted.
Molecular consequence: splice donor variant.
Genome position (GRCh38, 1-based): chr11:64,805,602-64,805,650, 49 bases deleted; deleting any 49 consecutive bases within chr11:64,805,602-64,805,653 gives the same sequence; the c. name uses the placement nearest the transcript's 3' end. GRCh37 (hg19): chr11:64,573,077-64,573,125.
Other names: c.1185_1200+33del (NM_130804.3, NM_130803.3, NM_000244.4 and 4 more transcripts); c.1065_1080+33del (NM_001407148.1, NM_001407149.1, NM_001370263.2 and 1 more transcripts); c.1170_1185+33del (NM_130799.3, NM_001370260.2, NM_001407152.1 and 3 more transcripts); c.1296_1311+33del (NM_001407144.1, NM_001370251.2, NM_001407142.1 and 1 more transcripts); c.1191_1206+33del (NM_001407151.1); c.1311_1326+33del (NM_001407150.1).
Identifiers: ClinVar variation 4731717 (VCV004731717.2).

ClinVar aggregate classification (germline): Likely pathogenic. Review status: criteria provided, multiple submitters, no conflicts (2 of 4 stars). 2 submissions from 2 submitters: Likely pathogenic (2). Last evaluated 2026-04-22.

Conditions:
Multiple endocrine neoplasia, type 1 (MEN1). Also called: MEA I; MEN I; WERMER SYNDROME; Endocrine adenomatosis multiple; MEN 1. Identifiers: Orphanet 652, MedGen C0025267, MeSH D018761, MONDO:0007540, OMIM 131100.

Submissions (2):

GeneDx
Classification: Likely pathogenic. Last evaluated: 2026-04-22. Review status: criteria provided, single submitter. Criteria: GeneDx Variant Classification Process June 2021. Collection method: clinical testing. Allele origin: germline.
Comment: Variant involving the canonical splice site predicted to result in a null allele in a gene for which loss of function is a known mechanism of disease; Not observed at significant frequency in large population cohorts (gnomAD); Has not been previously published as pathogenic or benign to our knowledge

Labcorp Genetics (formerly Invitae), Labcorp
Classification: Likely pathogenic for Multiple endocrine neoplasia, type 1. Last evaluated: 2025-11-23. Review status: criteria provided, single submitter. Criteria: Invitae Variant Classification Sherloc (09022015). Collection method: clinical testing. Allele origin: germline.
Comment: This variant results in the deletion of part of exon 8 (c.1170_1185+33del) of the MEN1 gene. It is expected to disrupt RNA splicing. Variants that disrupt the donor or acceptor splice site typically lead to a loss of protein function (PMID: 16199547), and loss-of-function variants in MEN1 are known to be pathogenic (PMID: 12112656, 17853334). This variant is not present in population databases (gnomAD no frequency). This variant has not been reported in the literature in individuals affected with MEN1-related conditions. In summary, the currently available evidence indicates that the variant is pathogenic, but additional data are needed to prove that conclusively. Therefore, this variant has been classified as Likely Pathogenic.

Literature cited by the submitters: PubMed 16199547 (cited by Labcorp Genetics (formerly Invitae), Labcorp); PubMed 12112656 (cited by Labcorp Genetics (formerly Invitae), Labcorp); PubMed 17853334 (cited by Labcorp Genetics (formerly Invitae), Labcorp).